The following is an entry in ClinVar:

ClinVar aggregate classification (germline): Uncertain significance (1 of 4 stars; one submission).

Conditions:
Hereditary cancer-predisposing syndrome. Also called: Tumor predisposition; Neoplastic Syndromes, Hereditary; Hereditary Cancer Syndrome; Hereditary neoplastic syndrome. Identifiers: Orphanet 140162, MedGen C0027672, MeSH D009386, MONDO:0015356.

Submission:

Ambry Genetics
Classification: Uncertain significance for Hereditary cancer-predisposing syndrome. Last evaluated: 2025-02-27. Review status: criteria provided, single submitter. Criteria: Ambry Variant Classification Scheme 2023. Collection method: clinical testing. Allele origin: germline.
Comment: The p.R341W variant (also known as c.1021A>T), located in coding exon 10 of the PMS2 gene, results from an A to T substitution at nucleotide position 1021. The arginine at codon 341 is replaced by tryptophan, an amino acid with dissimilar properties. This amino acid position is conserved. In addition, this alteration is predicted to be deleterious by in silico analysis. Based on the available evidence, the clinical significance of this variant remains unclear.

NM_000535.7(PMS2):c.1021A>T (p.Arg341Trp)

Gene: PMS2 (PMS1 homolog 2, mismatch repair system component; minus strand). Cytogenetic location: 7p22.1.
Variant type: single nucleotide variant.
Coding change: c.1021A>T on transcript NM_000535.7 (MANE Select); coding-DNA position 1021, A replaced by T.
Protein change: p.Arg341Trp; replaces arginine 341 with tryptophan.
Molecular consequence: missense variant. On other transcripts: non-coding transcript variant (1), intron variant (10).
Genome position (GRCh38, 1-based): chr7:5,989,923, T>A on the plus strand (A>T on the coding strand, the complement: PMS2 is on the minus strand). VCF-style: chr7-5989923-T-A. GRCh37 (hg19) VCF-style: chr7-6029554-T-A.
Other names: c.616A>T, p.Arg206Trp (NM_001322003.2, NM_001322004.2, NM_001322005.2 and 16 more transcripts); c.703A>T, p.Arg235Trp (NM_001322007.2, NM_001322008.2, NM_001406876.1 and 2 more transcripts); c.88A>T, p.Arg30Trp (NM_001322011.2, NM_001322012.2); c.448A>T, p.Arg150Trp (NM_001322013.2, NM_001406909.1); c.1021A>T, p.Arg341Trp (NM_001322014.2, NM_001406871.1, NM_001406872.1); c.712A>T, p.Arg238Trp (NM_001322015.2, NM_001406875.1, NM_001406877.1 and 5 more transcripts); c.1207A>T, p.Arg403Trp (NM_001406866.1); c.1045A>T, p.Arg349Trp (NM_001406868.1); and 13 more; short protein forms R150W, R206W, R305W, R170W, R229W, R238W, R285W, R349W.
Identifiers: ClinVar variation 3891009 (VCV003891009.1).
Genomic context (GRCh38, chr7:5,989,923, plus strand): 5'-CTATCAAAGAGGTCTTTAAAACTGCCAACAAAAGCTTTTCCTCTTGTAGCAAAATTTGCC[T>A]TTTATCTGGAGTAACATTGATATCAACGCATTCTAAGGCAAAAAAGAAAACATATTTATT-3'
Protein context (NP_000526.2, residues 331-351): CVDINVTPDK[Arg341Trp]QILLQEEKLL